The following is an entry in ClinVar:

ClinVar aggregate classification (germline): Conflicting classifications of pathogenicity. Review status: criteria provided, conflicting classifications (1 of 4 stars). 5 submissions from 5 submitters: Uncertain significance (3); Likely benign (2). Last evaluated 2025-12-21.

Conditions:
Hereditary cancer-predisposing syndrome. Also called: Tumor predisposition; Hereditary neoplastic syndrome; Hereditary Cancer Syndrome; Neoplastic Syndromes, Hereditary. Identifiers: Orphanet 140162, MedGen C0027672, MeSH D009386, MONDO:0015356.
Hereditary breast ovarian cancer syndrome. Also called: Hereditary breast and ovarian cancer; Breast and ovarian cancer; BRCA1- and BRCA2-Associated Hereditary Breast and Ovarian Cancer; Hereditary breast and/or ovarian cancer syndrome; Hereditary breast and ovarian cancer syndrome; Hereditary breast and ovarian cancer syndrome (HBOC). Identifiers: Orphanet 145, MedGen C0677776, MeSH D061325, MONDO:0003582. Disease mechanism: loss of function.

Allele frequency attached by ClinVar (database versions not stated): TOPMed below 0.00001; gnomAD exomes below 0.00001.
gnomAD v4.1: 1 of 1,612,524 alleles (0.000062%); highest among the groups gnomAD compares: African/African-American, 0.0013%; no homozygotes.

Submissions (5):

Ambry Genetics
Classification: Uncertain significance for Hereditary cancer-predisposing syndrome. Last evaluated: 2025-12-21. Review status: criteria provided, single submitter. Criteria: Ambry Variant Classification Scheme 2023. Collection method: clinical testing. Allele origin: germline.
Comment: The p.I979T variant (also known as c.2936T>C), located in coding exon 10 of the BRCA2 gene, results from a T to C substitution at nucleotide position 2936. The isoleucine at codon 979 is replaced by threonine, an amino acid with similar properties. This amino acid position is not well conserved in available vertebrate species. In addition, this alteration is predicted to be tolerated by in silico analysis. Since supporting evidence is limited at this time, the clinical significance of this alteration remains unclear.

Labcorp Genetics (formerly Invitae), Labcorp
Classification: Uncertain significance for Hereditary breast ovarian cancer syndrome. Last evaluated: 2025-10-14. Review status: criteria provided, single submitter. Criteria: Invitae Variant Classification Sherloc (09022015). Collection method: clinical testing. Allele origin: germline.
Comment: This sequence change replaces isoleucine, which is neutral and non-polar, with threonine, which is neutral and polar, at codon 979 of the BRCA2 protein (p.Ile979Thr). This variant is not present in population databases (gnomAD no frequency). This variant has not been reported in the literature in individuals affected with BRCA2-related conditions. ClinVar contains an entry for this variant (Variation ID: 231511). Invitae Evidence Modeling of protein sequence and biophysical properties (such as structural, functional, and spatial information, amino acid conservation, physicochemical variation, residue mobility, and thermodynamic stability) indicates that this missense variant is not expected to disrupt BRCA2 protein function with a negative predictive value of 95%. In summary, the available evidence is currently insufficient to determine the role of this variant in disease. Therefore, it has been classified as a Variant of Uncertain Significance.

Color Diagnostics, LLC DBA Color Health
Classification: Uncertain significance for Hereditary cancer-predisposing syndrome. Last evaluated: 2025-08-28. Review status: criteria provided, single submitter. Criteria: ACMG Guidelines, 2015. Collection method: clinical testing. Allele origin: germline.
Comment: This missense variant replaces isoleucine with threonine at codon 979 of the BRCA2 protein. Computational prediction suggests that this variant may not impact protein structure and function. To our knowledge, functional studies have not been reported for this variant. A multifactorial analysis has reached a combined likelihood ratio (LR) of 2.403 based on reported LR for co-occurrence with a pathogenic variant and personal and family history for 1 carrier (PMID: 31853058). This variant has not been identified in the general population by the Genome Aggregation Database (gnomAD). The available evidence is insufficient to determine the role of this variant in disease conclusively. Therefore, this variant is classified as a Variant of Uncertain Significance.

ARUP Laboratories, Molecular Genetics and Genomics, ARUP Laboratories
Classification: Likely benign. Last evaluated: 2025-02-28. Review status: criteria provided, single submitter. Criteria: ARUP Molecular Germline Variant Investigation Process 2024. Collection method: clinical testing. Allele origin: germline.

University of Washington Department of Laboratory Medicine, University of Washington
Classification: Likely benign for Hereditary cancer-predisposing syndrome. Last evaluated: 2023-03-23. Review status: criteria provided, single submitter. Criteria: Dines et al. (Genet Med. 2020). Collection method: curation. Allele origin: germline.
Comment: Missense variant in a coldspot region where missense variants are very unlikely to be pathogenic (PMID:31911673).

BRCA2 exon 11 coldspot. Reclassification based on statistical prior probability.

Literature cited by the submitters: PubMed 31853058 (cited by Color Diagnostics, LLC DBA Color Health).

NM_000059.4(BRCA2):c.2936T>C (p.Ile979Thr)

Gene: BRCA2 (BRCA2 DNA repair associated; plus strand). Cytogenetic location: 13q13.1.
Variant type: single nucleotide variant.
Coding change: c.2936T>C on transcript NM_000059.4 (MANE Select); coding-DNA position 2936, T replaced by C.
Protein change: p.Ile979Thr; replaces isoleucine 979 with threonine.
Molecular consequence: missense variant.
Genome position (GRCh38, 1-based): chr13:32,337,291, T>C. VCF-style: chr13-32337291-T-C. GRCh37 (hg19) VCF-style: chr13-32911428-T-C.
Other names: short protein forms I979T.
Identifiers: ClinVar variation 231511 (VCV000231511.17), dbSNP rs876659200, ClinGen allele CA10579556.